The following is an entry in ClinVar:

NC_000010.11:g.(?_54369110)_(54378952_?)dup

Gene: PCDH15 (protocadherin related 15; minus strand). Cytogenetic location: 10q21.1.
Variant type: Duplication.
Identifiers: ClinVar variation 831312 (VCV000831312.5).

ClinVar aggregate classification (germline): Likely pathogenic (1 of 4 stars; one submission).

Submission:

Labcorp Genetics (formerly Invitae), Labcorp
Classification: Likely pathogenic. Last evaluated: 2020-01-18. Review status: criteria provided, single submitter. Criteria: Invitae Variant Classification Sherloc (09022015). Collection method: clinical testing. Allele origin: germline.
Comment: This variant results in a copy number gain of the genomic region encompassing exons 4-5 of the PCDH15 gene. While the exact position of this variant cannot be determined from this data, sub-genic copy number gains are generally in tandem (PMID: 25640679) and may result in an absent or disrupted protein product. In summary, the currently available evidence indicates that the variant is pathogenic, but additional data are needed to prove that conclusively. Therefore, this variant has been classified as Likely Pathogenic. Loss-of-function variants in PCDH15 are known to be pathogenic (PMID: 11398101, 11487575, 14570705). This variant has not been reported in the literature in individuals with PCDH15-related conditions.

Literature cited by the submitters: PubMed 25640679; PubMed 11398101; PubMed 11487575; PubMed 14570705.